The following is an entry in ClinVar:

NM_052989.3(IFT122):c.2537G>A (p.Arg846His)

Gene: IFT122 (intraflagellar transport 122; plus strand). Cytogenetic location: 3q22.1.
Variant type: single nucleotide variant.
Coding change: c.2537G>A on transcript NM_052989.3 (MANE Select); coding-DNA position 2537, G replaced by A.
Protein change: p.Arg846His; replaces arginine 846 with histidine.
Molecular consequence: missense variant.
Genome position (GRCh38, 1-based): chr3:129,502,872, G>A. VCF-style: chr3-129502872-G-A. GRCh37 (hg19) VCF-style: chr3-129221715-G-A.
Other names: c.2513G>A, p.Arg838His (NM_001280541.2); c.2087G>A, p.Arg696His (NM_001280545.2); c.1910G>A, p.Arg637His (NM_001280546.2); c.2360G>A, p.Arg787His (NM_018262.4); c.2690G>A, p.Arg897His (NM_052985.4); c.2204G>A, p.Arg735His (NM_052990.3); short protein forms R838H, R696H, R897H, R637H, R735H, R787H, R846H.
Identifiers: ClinVar variation 1446630 (VCV001446630.7), dbSNP rs370415289, ClinGen allele CA2606546.
Genomic context (GRCh38, chr3:129,502,872, plus strand): 5'-AGACCTACCTGAAGATGGGTGACCTCAAGTCCCTGGTGCAGCTGCACGTGGAGACCCAGC[G>A]CTGGGATGAGGTGAGGGGAAAGCAGGCCTCATGGGCTGGGGCCCCACCTGAGCCCTGGGA-3'
Protein context (NP_443715.1, residues 836-856): SLVQLHVETQ[Arg846His]WDEAFALGEK

ClinVar aggregate classification (germline): Uncertain significance. Review status: criteria provided, multiple submitters, no conflicts (2 of 4 stars). 2 submissions from 2 submitters: Uncertain significance (2). Last evaluated 2024-03-14.

Conditions:
Cranioectodermal dysplasia 1 (CED1). Also called: LEVIN SYNDROME I. Identifiers: Orphanet 1515, MedGen C0432235, MONDO:0021093, OMIM 218330.

Allele frequency attached by ClinVar (database versions not stated): ESP Exome Variant Server 0.00008.
gnomAD v4.1: 68 of 1,610,248 alleles (0.0042%); highest among the groups gnomAD compares: East Asian, 0.011%; no homozygotes.

Submissions (2):

Fulgent Genetics
Classification: Uncertain significance for Cranioectodermal dysplasia 1. Last evaluated: 2024-03-14. Review status: criteria provided, single submitter. Criteria: ACMG Guidelines, 2015. Collection method: clinical testing. Allele origin: germline.

Labcorp Genetics (formerly Invitae), Labcorp
Classification: Uncertain significance for Cranioectodermal dysplasia 1. Last evaluated: 2022-06-14. Review status: criteria provided, single submitter. Criteria: Invitae Variant Classification Sherloc (09022015). Collection method: clinical testing. Allele origin: germline.
Comment: This sequence change replaces arginine, which is basic and polar, with histidine, which is basic and polar, at codon 897 of the IFT122 protein (p.Arg897His). This variant is present in population databases (rs370415289, gnomAD 0.02%). This variant has not been reported in the literature in individuals affected with IFT122-related conditions. Algorithms developed to predict the effect of missense changes on protein structure and function output the following: SIFT: "Tolerated"; PolyPhen-2: "Benign"; Align-GVGD: "Class C0". The histidine amino acid residue is found in multiple mammalian species, which suggests that this missense change does not adversely affect protein function. In summary, the available evidence is currently insufficient to determine the role of this variant in disease. Therefore, it has been classified as a Variant of Uncertain Significance.